The following is an entry in ClinVar:

NM_000420.3(KEL):c.1703+5G>A

Gene: KEL (Kell metallo-endopeptidase (Kell blood group); minus strand). Cytogenetic location: 7q34.
Variant type: single nucleotide variant.
Coding change: c.1703+5G>A on transcript NM_000420.3 (MANE Select); 5 bases into the intron after coding-DNA position 1703, G replaced by A.
Molecular consequence: intron variant.
Genome position (GRCh38, 1-based): chr7:142,943,481, C>T on the plus strand (G>A on the coding strand, the complement: KEL is on the minus strand). VCF-style: chr7-142943481-C-T. GRCh37 (hg19) VCF-style: chr7-142640568-C-T.
Identifiers: ClinVar variation 3041437 (VCV003041437.2), dbSNP rs573103646, ClinGen allele CA4534138.
Genomic context (GRCh38, chr7:142,943,481, plus strand): 5'-CCATCATAACACCTGTCGGCCCCTCTTGGGAAACTCCCTACCTACCCTTACAGAGTGACC[C>T]ATACCTGGGATAGCCAGGGTGGAAGAATGGGGGTTGGAGGAGTCCAGCTGGAAAGACTAC-3'

ClinVar aggregate classification (germline): Likely benign (0 of 4 stars; one submission).

Conditions:
KEL-related disorder. Also called: KEL-related condition.

Allele frequency attached by ClinVar (database versions not stated): TOPMed 0.00010; gnomAD 0.00032; gnomAD exomes 0.00060; ExAC 0.00132; 1000 Genomes Project 30x 0.00219; 1000 Genomes Project 0.00220.
gnomAD v4.1: 912 of 1,612,366 alleles (0.057%); highest among the groups gnomAD compares: South Asian, 0.96%; 13 homozygotes.

Submission:

PreventionGenetics, part of Exact Sciences
Classification: Likely benign for KEL-related condition. Last evaluated: 2019-02-20. Review status: no assertion criteria provided. Collection method: clinical testing. Allele origin: germline.
Comment: This variant is classified as likely benign based on ACMG/AMP sequence variant interpretation guidelines (Richards et al. 2015 PMID: 25741868, with internal and published modifications).